The following is an entry in ClinVar:

ClinVar aggregate classification (germline): Uncertain significance (1 of 4 stars; one submission).

Allele frequency attached by ClinVar (database versions not stated): gnomAD exomes below 0.00001.
gnomAD v4.1: 1 of 1,207,927 alleles (0.000083%); highest among the groups gnomAD compares: Non-Finnish European, 0.00011%; no homozygotes.

Submissions (2):

Labcorp Genetics (formerly Invitae), Labcorp
Classification: Uncertain significance. Last evaluated: 2022-09-06. Review status: criteria provided, single submitter. Criteria: Invitae Variant Classification Sherloc (09022015). Collection method: clinical testing. Allele origin: germline.
Comment: This sequence change replaces tyrosine, which is neutral and polar, with cysteine, which is neutral and slightly polar, at codon 490 of the OPHN1 protein (p.Tyr490Cys). This variant is not present in population databases (gnomAD no frequency). This variant has not been reported in the literature in individuals affected with OPHN1-related conditions. Algorithms developed to predict the effect of missense changes on protein structure and function are either unavailable or do not agree on the potential impact of this missense change (SIFT: "Deleterious"; PolyPhen-2: "Probably Damaging"; Align-GVGD: "Class C0"). In summary, the available evidence is currently insufficient to determine the role of this variant in disease. Therefore, it has been classified as a Variant of Uncertain Significance.

Dr. Peter K. Rogan Lab, Western University
No classification provided (evidence only). Condition: Thyroid cancer, nonmedullary, 1. Review status: no classification provided. Collection method: in vitro. Allele origin: not applicable. Functional consequence: retained intron. Not counted in ClinVar's aggregate classification.

NM_002547.3(OPHN1):c.1469A>G (p.Tyr490Cys)

Gene: OPHN1 (oligophrenin 1; minus strand). Cytogenetic location: Xq12.
Variant type: single nucleotide variant.
Coding change: c.1469A>G on transcript NM_002547.3 (MANE Select); coding-DNA position 1469, A replaced by G.
Protein change: p.Tyr490Cys; replaces tyrosine 490 with cysteine.
Molecular consequence: missense variant.
Genome position (GRCh38, 1-based): chrX:68,111,911, T>C on the plus strand (A>G on the coding strand, the complement: OPHN1 is on the minus strand). VCF-style: chrX-68111911-T-C. GRCh37 (hg19) VCF-style: chrX-67331753-T-C.
Other names: short protein forms Y490C.
Identifiers: ClinVar variation 1717761 (VCV001717761.6), dbSNP rs2519695135, ClinGen allele CA413431674.
Genomic context (GRCh38, chrX:68,111,911, plus strand): 5'-TACTTGACCAAGTGTCTTATCAGAAGTTCCAGCATCTCTCGGTTCTTTTCTGGTAGCTTA[T>C]ATACCAGGGAGTGAATAGCTCCTAGGCGGTAATCCAGGTTGTCAGACTCTGGGATAGAAC-3'
Protein context (NP_002538.1, residues 480-500): YRLGAIHSLV[Tyr490Cys]KLPEKNREML